The following is an entry in ClinVar:

ClinVar aggregate classification (germline): Uncertain significance. Review status: criteria provided, multiple submitters, no conflicts (2 of 4 stars). 3 submissions from 3 submitters: Uncertain significance (3). Last evaluated 2025-08-11.

Conditions:
Acromesomelic dysplasia 1, Maroteaux type (AMD1). Also called: ST. HELENA DYSPLASIA; ACROMESOMELIC DYSPLASIA 1. Identifiers: Orphanet 40, MedGen C1864356, MONDO:0011275, OMIM 602875.
Tall stature-scoliosis-macrodactyly of the great toes syndrome. Also called: Epiphyseal chondrodysplasia, miura type. Identifiers: Orphanet 329191, MedGen C4014690, MONDO:0014401, OMIM 615923.

Allele frequency attached by ClinVar (database versions not stated): gnomAD exomes 0.00004 and 0.00007; ExAC 0.00008; gnomAD 0.00009; ESP Exome Variant Server 0.00015; TOPMed 0.00016; 1000 Genomes Project 0.00020; 1000 Genomes Project 30x 0.00031.
gnomAD v4.1: 69 of 1,614,094 alleles (0.0043%); highest among the groups gnomAD compares: African/African-American, 0.029%; no homozygotes.

Submissions (3):

Labcorp Genetics (formerly Invitae), Labcorp
Classification: Uncertain significance for Tall stature-scoliosis-macrodactyly of the great toes syndrome; Acromesomelic dysplasia 1, Maroteaux type. Last evaluated: 2025-08-11. Review status: criteria provided, single submitter. Criteria: Invitae Variant Classification Sherloc (09022015). Collection method: clinical testing. Allele origin: germline.
Comment: This sequence change replaces threonine, which is neutral and polar, with methionine, which is neutral and non-polar, at codon 421 of the NPR2 protein (p.Thr421Met). This variant is present in population databases (rs140361919, gnomAD 0.03%). This missense change has been observed in individual(s) with clinical features of Léri-Weill Dyschondrosteosis (PMID: 26075495). ClinVar contains an entry for this variant (Variation ID: 1402358). Invitae Evidence Modeling of protein sequence and biophysical properties (such as structural, functional, and spatial information, amino acid conservation, physicochemical variation, residue mobility, and thermodynamic stability) indicates that this missense variant is not expected to disrupt NPR2 protein function with a negative predictive value of 80%. Experimental studies have shown that this missense change affects NPR2 function (PMID: 26075495). In summary, the available evidence is currently insufficient to determine the role of this variant in disease. Therefore, it has been classified as a Variant of Uncertain Significance.

CeGaT Center for Human Genetics Tuebingen
Classification: Uncertain significance. Last evaluated: 2025-05-01. Review status: criteria provided, single submitter. Criteria: CeGaT Center For Human Genetics Tuebingen Variant Classification Criteria Version 2. Collection method: clinical testing. Allele origin: germline. Affected: yes. Observed: 1 variant allele.
Comment: NPR2: PP2, PS3:Supporting, PS4:Supporting

Breakthrough Genomics
Classification: Uncertain significance. Review status: criteria provided, single submitter. Criteria: ACMG Guidelines, 2015. Collection method: not provided. Allele origin: germline. Inheritance: Autosomal recessive inheritance. Affected: yes.

Literature cited by the submitters: PubMed 26075495 (cited by Labcorp Genetics (formerly Invitae), Labcorp).

NM_003995.4(NPR2):c.1262C>T (p.Thr421Met)

Gene: NPR2 (natriuretic peptide receptor 2; plus strand). Cytogenetic location: 9p13.3.
Variant type: single nucleotide variant.
Coding change: c.1262C>T on transcript NM_003995.4 (MANE Select); coding-DNA position 1262, C replaced by T.
Protein change: p.Thr421Met; replaces threonine 421 with methionine.
Molecular consequence: missense variant.
Genome position (GRCh38, 1-based): chr9:35,800,752, C>T. VCF-style: chr9-35800752-C-T. GRCh37 (hg19) VCF-style: chr9-35800749-C-T.
Other names: c.1262C>T, p.Thr421Met (NM_001378923.1); short protein forms T421M.
Identifiers: ClinVar variation 1402358 (VCV001402358.19), dbSNP rs140361919, ClinGen allele CA5051643.